The following is an entry in ClinVar:

ClinVar aggregate classification (germline): Conflicting classifications of pathogenicity. Review status: criteria provided, conflicting classifications (1 of 4 stars). 4 submissions from 4 submitters: Uncertain significance (3); Likely benign (1). Last evaluated 2025-09-10.

Conditions:
Hereditary breast ovarian cancer syndrome. Also called: Hereditary breast and ovarian cancer syndrome (HBOC); Breast and ovarian cancer; BRCA1- and BRCA2-Associated Hereditary Breast and Ovarian Cancer; Hereditary breast and/or ovarian cancer syndrome; Hereditary breast and ovarian cancer syndrome; Hereditary breast and ovarian cancer. Identifiers: Orphanet 145, MedGen C0677776, MeSH D061325, MONDO:0003582. Disease mechanism: loss of function.
Hereditary cancer-predisposing syndrome. Also called: Tumor predisposition; Hereditary neoplastic syndrome; Neoplastic Syndromes, Hereditary; Hereditary Cancer Syndrome. Identifiers: Orphanet 140162, MedGen C0027672, MeSH D009386, MONDO:0015356.

Allele frequency attached by ClinVar (database versions not stated): TOPMed 0.00001.

Submissions (4):

Labcorp Genetics (formerly Invitae), Labcorp
Classification: Uncertain significance for Hereditary breast ovarian cancer syndrome. Last evaluated: 2025-09-10. Review status: criteria provided, single submitter. Criteria: Invitae Variant Classification Sherloc (09022015). Collection method: clinical testing. Allele origin: germline.
Comment: This sequence change replaces serine, which is neutral and polar, with asparagine, which is neutral and polar, at codon 444 of the BRCA1 protein (p.Ser444Asn). This variant is not present in population databases (gnomAD no frequency). This variant has not been reported in the literature in individuals affected with BRCA1-related conditions. ClinVar contains an entry for this variant (Variation ID: 818955). Invitae Evidence Modeling of protein sequence and biophysical properties (such as structural, functional, and spatial information, amino acid conservation, physicochemical variation, residue mobility, and thermodynamic stability) indicates that this missense variant is not expected to disrupt BRCA1 protein function with a negative predictive value of 80%. In summary, the available evidence is currently insufficient to determine the role of this variant in disease. Therefore, it has been classified as a Variant of Uncertain Significance.

GeneDx
Classification: Uncertain significance. Last evaluated: 2025-04-28. Review status: criteria provided, single submitter. Criteria: GeneDx Variant Classification Process June 2021. Collection method: clinical testing. Allele origin: germline. Affected: yes.
Comment: Not observed at significant frequency in large population cohorts (gnomAD); In silico analysis indicates that this missense variant does not alter protein structure/function; Has not been previously published as pathogenic or benign to our knowledge; Also known as 1450G>A; This variant is associated with the following publications: (PMID: 15343273, 20215511, 9582019, 9926942, 9788437, 10426999)

Ambry Genetics
Classification: Uncertain significance for Hereditary cancer-predisposing syndrome. Last evaluated: 2023-12-02. Review status: criteria provided, single submitter. Criteria: Ambry Variant Classification Scheme 2023. Collection method: clinical testing. Allele origin: germline.
Comment: The p.S444N variant (also known as c.1331G>A), located in coding exon 9 of the BRCA1 gene, results from a G to A substitution at nucleotide position 1331. The serine at codon 444 is replaced by asparagine, an amino acid with highly similar properties. This amino acid position is not well conserved in available vertebrate species. In addition, the in silico prediction for this alteration is inconclusive. Since supporting evidence is limited at this time, the clinical significance of this alteration remains unclear.

University of Washington Department of Laboratory Medicine, University of Washington
Classification: Likely benign for Hereditary cancer-predisposing syndrome. Last evaluated: 2023-03-23. Review status: criteria provided, single submitter. Criteria: Dines et al. (Genet Med. 2020). Collection method: curation. Allele origin: germline.
Comment: Missense variant in a coldspot region where missense variants are very unlikely to be pathogenic (PMID:31911673).

BRCA1 coldspot (exon 11 using historical exon numbering). Reclassification based on statistical prior probability

NM_007294.4(BRCA1):c.1331G>A (p.Ser444Asn)

Gene: BRCA1 (BRCA1 DNA repair associated; minus strand). Cytogenetic location: 17q21.31.
Variant type: single nucleotide variant.
Coding change: c.1331G>A on transcript NM_007294.4 (MANE Select); coding-DNA position 1331, G replaced by A.
Protein change: p.Ser444Asn; replaces serine 444 with asparagine.
Molecular consequence: missense variant. On other transcripts: intron variant (137).
Genome position (GRCh38, 1-based): chr17:43,094,200, C>T on the plus strand (G>A on the coding strand, the complement: BRCA1 is on the minus strand). VCF-style: chr17-43094200-C-T. GRCh37 (hg19) VCF-style: chr17-41246217-C-T.
Other names: c.1208G>A, p.Ser403Asn (NM_001407939.1, NM_001407648.1, NM_001407664.1 and 19 more transcripts); c.1205G>A, p.Ser402Asn (NM_001407940.1, NM_001407941.1, NM_001407649.1 and 11 more transcripts); c.998G>A, p.Ser333Asn (NM_001407949.1, NM_001407946.1, NM_001407947.1 and 6 more transcripts); c.1190G>A, p.Ser397Asn (NM_001407942.1, NM_001407944.1, NM_001407945.1 and 29 more transcripts); c.1187G>A, p.Ser396Asn (NM_001407943.1, NM_001407740.1, NM_001407741.1 and 20 more transcripts); c.1118G>A, p.Ser373Asn (NM_001407571.1, NM_001407853.1, NM_001407894.1 and 9 more transcripts); c.1331G>A, p.Ser444Asn (NM_001407581.1, NM_007300.4, NM_001407582.1 and 30 more transcripts); c.646+544G>A (NM_001408458.1, NM_001408469.1, NM_001408453.1 and 11 more transcripts); and 40 more; short protein forms S444N, S397N, S332N, S377N, S402N, S403N, S418N, S355N.
Identifiers: ClinVar variation 818955 (VCV000818955.9), dbSNP rs1597876749, ClinGen allele CA10599389.